The following is an entry in ClinVar:

NM_002645.4(PIK3C2A):c.1029A>G (p.Thr343=)

Gene: PIK3C2A (phosphatidylinositol-4-phosphate 3-kinase catalytic subunit type 2 alpha; minus strand). Cytogenetic location: 11p15.1.
Variant type: single nucleotide variant.
Coding change: c.1029A>G on transcript NM_002645.4 (MANE Select); coding-DNA position 1029, A replaced by G.
Protein change: p.Thr343=; no amino-acid change (threonine 343 retained).
Molecular consequence: synonymous variant. On other transcripts: intron variant (1).
Genome position (GRCh38, 1-based): chr11:17,168,713, T>C on the plus strand (A>G on the coding strand, the complement: PIK3C2A is on the minus strand). VCF-style: chr11-17168713-T-C. GRCh37 (hg19) VCF-style: chr11-17190260-T-C.
Other names: c.1029A>G, p.Thr343= (NM_001321378.2); c.-75-13084A>G (NM_001321380.2).
Identifiers: ClinVar variation 770214 (VCV000770214.12), dbSNP rs138394492, ClinGen allele CA5901470.
Genomic context (GRCh38, chr11:17,168,713, plus strand): 5'-GAAGTTAGTAAGAAAAGACTATACCTGAGATATATGGCCCTGGGCTTTTGCAAGCTGAGT[T>C]GTTCGAATATTTAAAGACTGGCTTCTTGTAACAGTTGCCACAGAAAGGGATTTTCCATTC-3'
Protein context (NP_002636.2, residues 333-353): VTRSQSLNIR[Thr343=]TQLAKAQGHI

ClinVar aggregate classification (germline): Benign. Review status: criteria provided, multiple submitters, no conflicts (2 of 4 stars). 3 submissions from 3 submitters: Benign (2). 1 of the submissions does not count toward it. Last evaluated 2026-02-01.

Conditions:
PIK3C2A-related disorder. Also called: PIK3C2A-related condition.

Allele frequency attached by ClinVar (database versions not stated): ESP Exome Variant Server 0.00015; 1000 Genomes Project 30x 0.00375; 1000 Genomes Project 0.00439; gnomAD exomes 0.00116 and 0.00464; ExAC 0.00435; gnomAD 0.00159 and 0.00172; TOPMed 0.00306.
gnomAD v4.1: 1,936 of 1,600,538 alleles (0.12%); highest among the groups gnomAD compares: Admixed American, 1.9%; 16 homozygotes.

Submissions (3):

Labcorp Genetics (formerly Invitae), Labcorp
Classification: Benign. Last evaluated: 2026-02-01. Review status: criteria provided, single submitter. Criteria: Invitae Variant Classification Sherloc (09022015). Collection method: clinical testing. Allele origin: germline.

Breakthrough Genomics
Classification: Benign. Review status: criteria provided, single submitter. Criteria: ACMG Guidelines, 2015. Collection method: not provided. Allele origin: germline. Inheritance: Autosomal recessive inheritance. Affected: yes.

PreventionGenetics, part of Exact Sciences
Classification: Benign for PIK3C2A-related condition. Last evaluated: 2019-11-26. Review status: no assertion criteria provided. Collection method: clinical testing. Allele origin: germline. Not counted in ClinVar's aggregate classification.
Comment: This variant is classified as benign based on ACMG/AMP sequence variant interpretation guidelines (Richards et al. 2015 PMID: 25741868, with internal and published modifications).